The following is an entry in ClinVar:

NM_000135.4(FANCA):c.4037C>T (p.Ala1346Val)

Genes: FANCA (FA complementation group A; minus strand), ZNF276 (zinc finger protein 276; plus strand). Cytogenetic location: 16q24.3.
Variant type: single nucleotide variant.
Coding change: c.4037C>T on transcript NM_000135.4 (MANE Select); coding-DNA position 4037, C replaced by T.
Protein change: p.Ala1346Val; replaces alanine 1346 with valine.
Molecular consequence: missense variant. On other transcripts: 3 prime UTR variant (2), non-coding transcript variant (4).
Genome position (GRCh38, 1-based): chr16:89,739,263, G>A on the plus strand (C>T on the coding strand, the complement: FANCA is on the minus strand). VCF-style: chr16-89739263-G-A. GRCh37 (hg19) VCF-style: chr16-89805671-G-A.
Other names: p.Ala1346Val; c.4037C>T, p.Ala1346Val (NM_001286167.3); c.*1017G>A (NM_001113525.2, NM_152287.4); c.4037C>T (NM_000135.3); short protein forms A1346V.
Identifiers: ClinVar variation 1447545 (VCV001447545.11), dbSNP rs201886956, ClinGen allele CA8250805.

ClinVar aggregate classification (germline): Conflicting classifications of pathogenicity. Review status: criteria provided, conflicting classifications (1 of 4 stars). 5 submissions from 5 submitters: Uncertain significance (4); Likely benign (1). Last evaluated 2026-01-11.

Conditions:
Fanconi anemia (FA). Also called: Fanconi's anemia. Identifiers: Orphanet 84, MedGen C0015625, MeSH D005199, MONDO:0019391.
Fanconi anemia complementation group A (FANCA). Also called: FANCA-Related Fanconi Anemia; Fanconi anemia, group A. Identifiers: Orphanet 84, MedGen C3469521, MONDO:0009215, OMIM 227650.

Allele frequency attached by ClinVar (database versions not stated): gnomAD 0.00002 and 0.00003; ExAC 0.00006; ESP Exome Variant Server 0.00008; 1000 Genomes Project 30x 0.00016; 1000 Genomes Project 0.00020.
gnomAD v4.1: 75 of 1,614,146 alleles (0.0046%); highest among the groups gnomAD compares: Admixed American, 0.012%; no homozygotes.

Submissions (5):

Labcorp Genetics (formerly Invitae), Labcorp
Classification: Likely benign for Fanconi anemia. Last evaluated: 2026-01-11. Review status: criteria provided, single submitter. Criteria: Invitae Variant Classification Sherloc (09022015). Collection method: clinical testing. Allele origin: germline.

Mayo Clinic Laboratories, Mayo Clinic
Classification: Uncertain significance. Last evaluated: 2025-03-21. Review status: criteria provided, single submitter. Criteria: ACMG Guidelines, 2015. Collection method: clinical testing. Allele origin: germline. Observed: 2 variant alleles.
Comment: BP4

Quest Diagnostics Nichols Institute San Juan Capistrano
Classification: Uncertain significance. Last evaluated: 2024-08-22. Review status: criteria provided, single submitter. Criteria: Quest Diagnostics criteria. Collection method: clinical testing. Allele origin: unknown.
Comment: The FANCA c.4037C>T (p.Ala1346Val) variant has been reported in the published literature in individuals affected with ovarian cancer as well as a reportedly healthy individual (PMID: 32546565 (2021)). The frequency of this variant in the general population, 0.0002 (7/35432 chromosomes (Genome Aggregation Database)), is uninformative in the assessment of its pathogenicity. Analysis of this variant using bioinformatics tools for the prediction of the effect of amino acid changes on protein structure and function yielded predictions that this variant is benign. Based on the available information, we are unable to determine the clinical significance of this variant.

Fulgent Genetics
Classification: Uncertain significance for Fanconi anemia complementation group A. Last evaluated: 2022-02-25. Review status: criteria provided, single submitter. Criteria: ACMG Guidelines, 2015. Collection method: clinical testing. Allele origin: unknown.

Sema4
Classification: Uncertain significance for Fanconi anemia. Last evaluated: 2021-10-12. Review status: criteria provided, single submitter. Criteria: Sema4 Curation Guidelines. Collection method: curation. Allele origin: germline.
Comment: The FANCA c.4037C>T (p.A1346V) variant has been reported in heterozygosity in at least three individuals with ovarian cancer and one healthy control (PMID: 32546565). It was observed in 7/35432 chromosomes of the Latino subpopulation in the large and broad cohorts of the Genome Aggregation Database (PMID: 32461654). The variant has not been reported in ClinVar. Functional studies have not been performed, and in silico predictions of the variant's effect on protein function are inconclusive. The evidence is insufficient to meet ACMG/AMP criteria for classifying the variant as benign or pathogenic. Thus, the clinical significance of this variant is currently uncertain.

Literature cited by the submitters: PubMed 32546565 (cited by Quest Diagnostics Nichols Institute San Juan Capistrano and Sema4).